The following is an entry in ClinVar:

NM_170707.4(LMNA):c.778A>G (p.Lys260Glu)

Gene: LMNA (lamin A/C; plus strand). Cytogenetic location: 1q22.
Variant type: single nucleotide variant.
Coding change: c.778A>G on transcript NM_170707.4 (MANE Select); coding-DNA position 778, A replaced by G.
Protein change: p.Lys260Glu; replaces lysine 260 with glutamic acid.
Molecular consequence: missense variant.
Genome position (GRCh38, 1-based): chr1:156,134,943, A>G. VCF-style: chr1-156134943-A-G. GRCh37 (hg19) VCF-style: chr1-156104734-A-G.
Other names: c.442A>G, p.Lys148Glu (NM_001257374.3, NM_001406989.1, NM_001406998.1); c.535A>G, p.Lys179Glu (NM_001282624.2, NM_001406986.1, NM_001406987.1); c.778A>G, p.Lys260Glu (NM_001282625.2, NM_001282626.2, NM_001406983.1 and 6 more transcripts); c.481A>G, p.Lys161Glu (NM_001406988.1); c.220A>G, p.Lys74Glu (NM_001406990.1, NM_001406993.1, NM_001406995.1 and 4 more transcripts); c.114A>G, p.Ile38Met (NM_001406994.1, NM_001406999.1, NM_001407000.1 and 1 more transcripts); short protein forms I38M, K179E, K260E, K148E, K74E, K161E.
Identifiers: ClinVar variation 2733997 (VCV002733997.4), dbSNP rs2527974976, ClinGen allele CA342817387.

ClinVar aggregate classification (germline): Conflicting classifications of pathogenicity. Review status: criteria provided, conflicting classifications (1 of 4 stars). 2 submissions from 2 submitters: Likely pathogenic (1); Uncertain significance (1). Last evaluated 2025-05-29.

Conditions:
Charcot-Marie-Tooth disease type 2. Also called: Charcot-Marie-Tooth type 2. Identifiers: Orphanet 64746, MedGen C0270914, MONDO:0018993.
Emery-Dreifuss muscular dystrophy 2, autosomal dominant (EDMD2). Also called: LMNA-Related Emery-Dreifuss Muscular Dystrophy, Autosomal; HAUPTMANN-THANNHAUSER MUSCULAR DYSTROPHY; MUSCULAR DYSTROPHY WITH EARLY CONTRACTURES AND CARDIOMYOPATHY, AUTOSOMAL DOMINANT; SCAPULOILIOPERONEAL ATROPHY WITH CARDIOPATHY; Benign scapuloperoneal muscular dystrophy with cardiomyopathy; Limb-girdle muscular dystrophy, type 1B. Identifiers: Orphanet 261, Orphanet 264, MedGen C0410190, MONDO:0021569, OMIM 181350.

Submissions (2):

Diagnostics Services (NGS), CSIR - Centre For Cellular And Molecular Biology
Classification: Likely pathogenic for Emery-Dreifuss muscular dystrophy 2, autosomal dominant. Last evaluated: 2025-05-29. Review status: criteria provided, single submitter. Criteria: ACMG Guidelines, 2015. Collection method: clinical testing. Allele origin: unknown. Affected: yes. Observed: 1 variant allele, 1 heterozygote.
Comment: The c.778A>G variant is not present in publicly available population databases like 1000 Genomes, EVS, gnomAD, Indian Exome Database or our internal database. This variant has been previously observed in individuals with Emery-Dreifuss muscular dystrophy [PMID: 26573435] and reported to the Human Genome Mutation Database (HGMD ID- CM160371) and ClinVar database (Accession ID: VCV002733997.2) as ‘Uncertain significance’ by a single submitter. In-silico pathogenicity prediction programs like SIFT, Polyphen-2, MutationTaster2021, CADD, Varsome, Franklin etc predicted this variant to be likely deleterious. This variant is located in a mutational hotspot region of the gene and a different amino acid change (Lys260Asn) in the same codon has been previously observed in individuals with LMNA-related conditions [PMID: 23183350; 34862408] where experimental studies have shown that this missense change affects LMNA function [PMID: 34862408].

Labcorp Genetics (formerly Invitae), Labcorp
Classification: Uncertain significance for Charcot-Marie-Tooth disease type 2. Last evaluated: 2023-12-03. Review status: criteria provided, single submitter. Criteria: Invitae Variant Classification Sherloc (09022015). Collection method: clinical testing. Allele origin: germline.
Comment: This sequence change replaces lysine, which is basic and polar, with glutamic acid, which is acidic and polar, at codon 260 of the LMNA protein (p.Lys260Glu). This variant is not present in population databases (gnomAD no frequency). This missense change has been observed in individual(s) with Emery-Dreifuss muscular dystrophy (PMID: 26573435). Advanced modeling of protein sequence and biophysical properties (such as structural, functional, and spatial information, amino acid conservation, physicochemical variation, residue mobility, and thermodynamic stability) performed at Invitae indicates that this missense variant is expected to disrupt LMNA protein function with a positive predictive value of 95%. Experimental studies have shown that this missense change affects LMNA function (PMID: 34862408). This variant disrupts the p.Lys260 amino acid residue in LMNA. Other variant(s) that disrupt this residue have been observed in individuals with LMNA-related conditions (PMID: 23183350), which suggests that this may be a clinically significant amino acid residue. In summary, the available evidence is currently insufficient to determine the role of this variant in disease. Therefore, it has been classified as a Variant of Uncertain Significance.

Literature cited by the submitters: PubMed 26573435 (cited by Diagnostics Services (NGS), CSIR - Centre For Cellular And Molecular Biology and Labcorp Genetics (formerly Invitae), Labcorp); PubMed 34862408 (cited by Labcorp Genetics (formerly Invitae), Labcorp); PubMed 23183350 (cited by Labcorp Genetics (formerly Invitae), Labcorp).